The following is an entry in ClinVar:

NM_001365999.1(SZT2):c.3019A>T (p.Met1007Leu)

Gene: SZT2 (SZT2 subunit of KICSTOR complex; plus strand). Cytogenetic location: 1p34.2.
Variant type: single nucleotide variant.
Coding change: c.3019A>T on transcript NM_001365999.1 (MANE Select); coding-DNA position 3019, A replaced by T.
Protein change: p.Met1007Leu; replaces methionine 1007 with leucine.
Molecular consequence: missense variant.
Genome position (GRCh38, 1-based): chr1:43,426,127, A>T. VCF-style: chr1-43426127-A-T. GRCh37 (hg19) VCF-style: chr1-43891798-A-T.
Other names: c.3019A>T, p.Met1007Leu (NM_015284.4); short protein forms M1007L.
Identifiers: ClinVar variation 1351518 (VCV001351518.10), dbSNP rs2153933173, ClinGen allele CA340016251.

ClinVar aggregate classification (germline): Uncertain significance. Review status: criteria provided, multiple submitters, no conflicts (2 of 4 stars). 3 submissions from 3 submitters: Uncertain significance (3). Last evaluated 2023-04-11.

Conditions:
Developmental and epileptic encephalopathy, 18 (DEE18). Also called: Early infantile epileptic encephalopathy 18. Identifiers: Orphanet 369894, MedGen C3809624, MONDO:0014201, OMIM 615476.

Submissions (3):

Genome-Nilou Lab
Classification: Uncertain significance for Developmental and epileptic encephalopathy, 18. Last evaluated: 2023-04-11. Review status: criteria provided, single submitter. Criteria: ACMG Guidelines, 2015. Collection method: clinical testing. Allele origin: germline. Affected: no.

Labcorp Genetics (formerly Invitae), Labcorp
Classification: Uncertain significance. Last evaluated: 2022-02-03. Review status: criteria provided, single submitter. Criteria: Invitae Variant Classification Sherloc (09022015). Collection method: clinical testing. Allele origin: germline.
Comment: This sequence change replaces methionine, which is neutral and non-polar, with leucine, which is neutral and non-polar, at codon 1007 of the SZT2 protein (p.Met1007Leu). In summary, the available evidence is currently insufficient to determine the role of this variant in disease. Therefore, it has been classified as a Variant of Uncertain Significance. Algorithms developed to predict the effect of missense changes on protein structure and function (SIFT, PolyPhen-2, Align-GVGD) all suggest that this variant is likely to be tolerated. This variant has not been reported in the literature in individuals affected with SZT2-related conditions. This variant is not present in population databases (gnomAD no frequency).

Fulgent Genetics
Classification: Uncertain significance for Developmental and epileptic encephalopathy, 18. Last evaluated: 2021-11-04. Review status: criteria provided, single submitter. Criteria: ACMG Guidelines, 2015. Collection method: clinical testing. Allele origin: unknown.